The following is an entry in ClinVar:

NM_000202.8(IDS):c.1199T>C (p.Leu400Pro)

Gene: IDS (iduronate 2-sulfatase; minus strand). Cytogenetic location: Xq28.
Variant type: single nucleotide variant.
Coding change: c.1199T>C on transcript NM_000202.8 (MANE Select); coding-DNA position 1199, T replaced by C.
Protein change: p.Leu400Pro; replaces leucine 400 with proline.
Molecular consequence: missense variant.
Genome position (GRCh38, 1-based): chrX:149,483,200, A>G on the plus strand (T>C on the coding strand, the complement: IDS is on the minus strand). VCF-style: chrX-149483200-A-G. GRCh37 (hg19) VCF-style: chrX-148564731-A-G.
Other names: c.929T>C, p.Leu310Pro (NM_001166550.4); short protein forms L310P, L400P.
Identifiers: ClinVar variation 2771563 (VCV002771563.3), dbSNP rs2520758743, ClinGen allele CA414518596.

ClinVar aggregate classification (germline): Uncertain significance (1 of 4 stars; one submission).

Conditions:
Mucopolysaccharidosis, MPS-II (MPS2). Also called: Mucopolysaccharidosis type 2; Mucopolysaccharidosis with skin involvement; Attenuated MPS (subtype; formerly known as mild MPS II); Severe MPS II; I2S deficiency; MPS 2. Identifiers: Orphanet 580, Orphanet 79388, MedGen C0026705, MONDO:0010674, OMIM 309900.

Allele frequency attached by ClinVar (database versions not stated): gnomAD exomes below 0.00001.
gnomAD v4.1: 1 of 1,210,257 alleles (0.000083%); highest among the groups gnomAD compares: Non-Finnish European, 0.00011%; no homozygotes.

Submission:

Labcorp Genetics (formerly Invitae), Labcorp
Classification: Uncertain significance for Mucopolysaccharidosis, MPS-II. Last evaluated: 2023-01-20. Review status: criteria provided, single submitter. Criteria: Invitae Variant Classification Sherloc (09022015). Collection method: clinical testing. Allele origin: germline.
Comment: Algorithms developed to predict the effect of missense changes on protein structure and function output the following: SIFT: "Deleterious"; PolyPhen-2: "Benign"; Align-GVGD: "Class C0". The proline amino acid residue is found in multiple mammalian species, which suggests that this missense change does not adversely affect protein function. This variant has not been reported in the literature in individuals affected with IDS-related conditions. This variant is not present in population databases (gnomAD no frequency). This sequence change replaces leucine, which is neutral and non-polar, with proline, which is neutral and non-polar, at codon 400 of the IDS protein (p.Leu400Pro). In summary, the available evidence is currently insufficient to determine the role of this variant in disease. Therefore, it has been classified as a Variant of Uncertain Significance.